The following is an entry in ClinVar:

NM_001165963.4(SCN1A):c.879A>C (p.Glu293Asp)

Gene: SCN1A (sodium voltage-gated channel alpha subunit 1; minus strand). Cytogenetic location: 2q24.3.
Variant type: single nucleotide variant.
Coding change: c.879A>C on transcript NM_001165963.4 (MANE Select); coding-DNA position 879, A replaced by C.
Protein change: p.Glu293Asp; replaces glutamic acid 293 with aspartic acid.
Molecular consequence: missense variant. On other transcripts: 5 prime UTR variant (1), non-coding transcript variant (1).
Genome position (GRCh38, 1-based): chr2:166,051,804, T>G on the plus strand (A>C on the coding strand, the complement: SCN1A is on the minus strand). VCF-style: chr2-166051804-T-G. GRCh37 (hg19) VCF-style: chr2-166908314-T-G.
Other names: c.879A>C, p.Glu293Asp (NM_001165964.3, NM_001202435.3, NM_001353948.2 and 10 more transcripts); c.-1547A>C (NM_001353961.2); short protein forms E293D.
Identifiers: ClinVar variation 855181 (VCV000855181.12), dbSNP rs1457806589, ClinGen allele CA349072789.

ClinVar aggregate classification (germline): Conflicting classifications of pathogenicity. Review status: criteria provided, conflicting classifications (1 of 4 stars). 3 submissions from 3 submitters: Uncertain significance (2); Benign (1). Last evaluated 2024-12-15.

Conditions:
Early-infantile DEE. Also called: Early infantile epileptic encephalopathy; Ohtahara syndrome; Early infantile epileptic encephalopathy with suppression bursts. Identifiers: Orphanet 1934, MedGen C0393706, MONDO:0800491.
Inborn genetic diseases. Identifiers: MedGen C0950123, MeSH D030342.

Allele frequency attached by ClinVar (database versions not stated): TOPMed 0.00001; gnomAD exomes below 0.00001; gnomAD 0.00001.
gnomAD v4.1: 4 of 1,611,932 alleles (0.00025%); highest among the groups gnomAD compares: Non-Finnish European, 0.00034%; no homozygotes.

Submissions (3):

Labcorp Genetics (formerly Invitae), Labcorp
Classification: Benign for Early-infantile DEE. Last evaluated: 2024-12-15. Review status: criteria provided, single submitter. Criteria: Invitae Variant Classification Sherloc (09022015). Collection method: clinical testing. Allele origin: germline.

GeneDx
Classification: Uncertain significance. Last evaluated: 2024-12-10. Review status: criteria provided, single submitter. Criteria: GeneDx Variant Classification Process June 2021. Collection method: clinical testing. Allele origin: germline.
Comment: Not observed at significant frequency in large population cohorts (gnomAD); In silico analysis indicates that this missense variant does not alter protein structure/function; This substitution is predicted to be within the extracellular loop between the S5 and S6 transmembrane segments of the first homologous domain; Has not been previously published as pathogenic or benign to our knowledge

Ambry Genetics
Classification: Uncertain significance for Inborn genetic diseases. Last evaluated: 2023-10-10. Review status: criteria provided, single submitter. Criteria: Ambry Variant Classification Scheme 2023. Collection method: clinical testing. Allele origin: germline.